The following is an entry in ClinVar:

ClinVar aggregate classification (germline): Uncertain significance (1 of 4 stars; one submission).

Submission:

Labcorp Genetics (formerly Invitae), Labcorp
Classification: Uncertain significance. Last evaluated: 2021-09-03. Review status: criteria provided, single submitter. Criteria: Invitae Variant Classification Sherloc (09022015). Collection method: clinical testing. Allele origin: germline.
Comment: This sequence change replaces glutamic acid with lysine at codon 76 of the MTFMT protein (p.Glu76Lys). The glutamic acid residue is weakly conserved and there is a small physicochemical difference between glutamic acid and lysine. This variant is present in population databases (rs768732372, ExAC 0.003%). This variant has not been reported in the literature in individuals affected with MTFMT-related conditions. Algorithms developed to predict the effect of missense changes on protein structure and function output the following: SIFT: "Tolerated"; PolyPhen-2: "Benign"; Align-GVGD: "Class C0". The lysine amino acid residue is found in multiple mammalian species, which suggests that this missense change does not adversely affect protein function. In summary, the available evidence is currently insufficient to determine the role of this variant in disease. Therefore, it has been classified as a Variant of Uncertain Significance.

NM_139242.4(MTFMT):c.226G>A (p.Glu76Lys)

Gene: MTFMT (mitochondrial methionyl-tRNA formyltransferase; minus strand). Cytogenetic location: 15q22.31.
Variant type: single nucleotide variant.
Coding change: c.226G>A on transcript NM_139242.4 (MANE Select); coding-DNA position 226, G replaced by A.
Protein change: p.Glu76Lys; replaces glutamic acid 76 with lysine.
Molecular consequence: missense variant.
Genome position (GRCh38, 1-based): chr15:65,027,024, C>T on the plus strand (G>A on the coding strand, the complement: MTFMT is on the minus strand). VCF-style: chr15-65027024-C-T. GRCh37 (hg19) VCF-style: chr15-65319362-C-T.
Other names: short protein forms E76K.
Identifiers: ClinVar variation 1512293 (VCV001512293.6), dbSNP rs768732372, ClinGen allele CA7613415.